The following is an entry in ClinVar:

ClinVar aggregate classification (germline): Conflicting classifications of pathogenicity. Review status: criteria provided, conflicting classifications (1 of 4 stars). 3 submissions from 3 submitters: Uncertain significance (1); Likely benign (2). Last evaluated 2025-12-13.

Conditions:
Cardiovascular phenotype. Identifiers: MedGen CN230736.
Dilated cardiomyopathy 1G (CMD1G). Identifiers: Orphanet 154, MedGen C1858763, MONDO:0011400, OMIM 604145.
Autosomal recessive limb-girdle muscular dystrophy type 2J (LGMDR10). Also called: Limb-girdle muscular dystrophy, type 2J; MUSCULAR DYSTROPHY, LIMB-GIRDLE, AUTOSOMAL RECESSIVE 10. Identifiers: Orphanet 140922, MedGen C1837342, MONDO:0012127, OMIM 608807.

Allele frequency attached by ClinVar (database versions not stated): gnomAD exomes 0.00001 and 0.00003; gnomAD 0.00002 and 0.00003; TOPMed 0.00002; ExAC 0.00003.
gnomAD v4.1: 15 of 1,610,466 alleles (0.00093%); highest among the groups gnomAD compares: East Asian, 0.031%; no homozygotes.

Submissions (3):

Labcorp Genetics (formerly Invitae), Labcorp
Classification: Likely benign for Dilated cardiomyopathy 1G; Autosomal recessive limb-girdle muscular dystrophy type 2J. Last evaluated: 2025-12-13. Review status: criteria provided, single submitter. Criteria: Invitae Variant Classification Sherloc (09022015). Collection method: clinical testing. Allele origin: germline.

Ambry Genetics
Classification: Uncertain significance for Cardiovascular phenotype. Last evaluated: 2021-02-25. Review status: criteria provided, single submitter. Criteria: Ambry Variant Classification Scheme 2023. Collection method: clinical testing. Allele origin: germline.
Comment: The c.36363G>A variant (also known as p.V12121V), located in coding exon 133 of the TTN gene, results from a G to A substitution at nucleotide position 36363. This nucleotide substitution does not change the valine at codon 12121. This nucleotide position is not well conserved in available vertebrate species. In silico splice site analysis for this alteration is inconclusive. Since supporting evidence is limited at this time, the clinical significance of this alteration remains unclear.

Laboratory for Molecular Medicine, Mass General Brigham Personalized Medicine
Classification: Likely benign. Last evaluated: 2012-05-01. Review status: criteria provided, single submitter. Criteria: LMM Criteria. Collection method: clinical testing. Allele origin: germline. Observed: 1 variant allele.
Comment: Val18618Val in exon 255 of TTN: This variant is not expected to have clinical si gnificance because it does not alter an amino acid residue and is not located wi thin the splice consensus sequence. Val18618Val in exon 255 of TTN (allele freq uency = n/a)

NM_001267550.2(TTN):c.63558G>A (p.Val21186=)

Genes: TTN (titin; minus strand), TTN-AS1 (TTN antisense RNA 1; plus strand). Cytogenetic location: 2q31.2.
Variant type: single nucleotide variant.
Coding change: c.63558G>A on transcript NM_001267550.2 (MANE Select); coding-DNA position 63558, G replaced by A.
Protein change: p.Val21186=; no amino-acid change (valine 21186 retained).
Molecular consequence: synonymous variant.
Genome position (GRCh38, 1-based): chr2:178,587,751, C>T on the plus strand (G>A on the coding strand, the complement: TTN is on the minus strand). VCF-style: chr2-178587751-C-T. GRCh37 (hg19) VCF-style: chr2-179452478-C-T.
Other names: c.58635G>A, p.Val19545= (NM_001256850.1); c.36363G>A, p.Val12121= (NM_003319.4); c.36738G>A, p.Val12246= (NM_133432.3); c.36939G>A, p.Val12313= (NM_133437.4); c.55854G>A, p.Val18618= (NM_133378.4).
Identifiers: ClinVar variation 47196 (VCV000047196.15), dbSNP rs200261892, ClinGen allele CA140291.